The following is an entry in ClinVar:

ClinVar aggregate classification (germline): Uncertain significance (1 of 4 stars; one submission).

Conditions:
Familial cold autoinflammatory syndrome 2 (FCAS2). Identifiers: Orphanet 247868, MedGen C2673198, MONDO:0012724, OMIM 611762.

Submission:

Labcorp Genetics (formerly Invitae), Labcorp
Classification: Uncertain significance for Familial cold autoinflammatory syndrome 2. Last evaluated: 2024-07-15. Review status: criteria provided, single submitter. Criteria: Invitae Variant Classification Sherloc (09022015). Collection method: clinical testing. Allele origin: germline.
Comment: This sequence change replaces threonine, which is neutral and polar, with lysine, which is basic and polar, at codon 427 of the NLRP12 protein (p.Thr427Lys). This variant is not present in population databases (gnomAD no frequency). This variant has not been reported in the literature in individuals affected with NLRP12-related conditions. ClinVar contains an entry for this variant (Variation ID: 1382927). Advanced modeling of protein sequence and biophysical properties (such as structural, functional, and spatial information, amino acid conservation, physicochemical variation, residue mobility, and thermodynamic stability) performed at Invitae indicates that this missense variant is not expected to disrupt NLRP12 protein function with a negative predictive value of 80%. In summary, the available evidence is currently insufficient to determine the role of this variant in disease. Therefore, it has been classified as a Variant of Uncertain Significance.

NM_144687.4(NLRP12):c.1280C>A (p.Thr427Lys)

Gene: NLRP12 (NLR family pyrin domain containing 12; minus strand). Cytogenetic location: 19q13.42.
Variant type: single nucleotide variant.
Coding change: c.1280C>A on transcript NM_144687.4 (MANE Select); coding-DNA position 1280, C replaced by A.
Protein change: p.Thr427Lys; replaces threonine 427 with lysine.
Molecular consequence: missense variant.
Genome position (GRCh38, 1-based): chr19:53,810,379, G>T on the plus strand (C>A on the coding strand, the complement: NLRP12 is on the minus strand). VCF-style: chr19-53810379-G-T. GRCh37 (hg19) VCF-style: chr19-54313633-G-T.
Other names: c.1280C>A, p.Thr427Lys (NM_001277126.2, NM_001277129.1); short protein forms T427K.
Identifiers: ClinVar variation 1382927 (VCV001382927.6), dbSNP rs1383087110, ClinGen allele CA407413861.